The following is an entry in ClinVar:

ClinVar aggregate classification (germline): Uncertain significance (1 of 4 stars; one submission).

Conditions:
Maple syrup urine disease, mild variant (MSUDMV). Identifiers: Orphanet 511, MedGen C3554575, MONDO:0014057, OMIM 615135.

Allele frequency attached by ClinVar (database versions not stated): TOPMed below 0.00001; gnomAD 0.00001; gnomAD exomes 0.00001; ExAC 0.00002; ESP Exome Variant Server 0.00008.
gnomAD v4.1: 13 of 1,614,210 alleles (0.00081%); highest among the groups gnomAD compares: African/African-American, 0.0013%; no homozygotes.

Submission:

Labcorp Genetics (formerly Invitae), Labcorp
Classification: Uncertain significance for Maple syrup urine disease, mild variant. Last evaluated: 2022-10-03. Review status: criteria provided, single submitter. Criteria: Invitae Variant Classification Sherloc (09022015). Collection method: clinical testing. Allele origin: germline.
Comment: This variant has not been reported in the literature in individuals affected with PPM1K-related conditions. In summary, the available evidence is currently insufficient to determine the role of this variant in disease. Therefore, it has been classified as a Variant of Uncertain Significance. Algorithms developed to predict the effect of missense changes on protein structure and function output the following: SIFT: "Tolerated"; PolyPhen-2: "Benign"; Align-GVGD: "Class C0". The serine amino acid residue is found in multiple mammalian species, which suggests that this missense change does not adversely affect protein function. This variant is present in population databases (rs376474865, gnomAD 0.004%). This sequence change replaces asparagine, which is neutral and polar, with serine, which is neutral and polar, at codon 63 of the PPM1K protein (p.Asn63Ser).

NM_152542.5(PPM1K):c.188A>G (p.Asn63Ser)

Gene: PPM1K (protein phosphatase, Mg2+/Mn2+ dependent 1K; minus strand). Cytogenetic location: 4q22.1.
Variant type: single nucleotide variant.
Coding change: c.188A>G on transcript NM_152542.5 (MANE Select); coding-DNA position 188, A replaced by G.
Protein change: p.Asn63Ser; replaces asparagine 63 with serine.
Molecular consequence: missense variant.
Genome position (GRCh38, 1-based): chr4:88,278,396, T>C on the plus strand (A>G on the coding strand, the complement: PPM1K is on the minus strand). VCF-style: chr4-88278396-T-C. GRCh37 (hg19) VCF-style: chr4-89199548-T-C.
Other names: short protein forms N63S.
Identifiers: ClinVar variation 1982883 (VCV001982883.4), dbSNP rs376474865, ClinGen allele CA3005347.